The following is an entry in ClinVar:

ClinVar aggregate classification (germline): Uncertain significance. Review status: criteria provided, multiple submitters, no conflicts (2 of 4 stars). 3 submissions from 3 submitters: Uncertain significance (3). Last evaluated 2025-11-12.

Conditions:
Hereditary sensory and autonomic neuropathy type 7. Also called: HSAN VII; Neuropathy, hereditary sensory and autonomic, type VII. Identifiers: Orphanet 391397, MedGen C3809882, MONDO:0014244, OMIM 615548.
Familial episodic pain syndrome with predominantly lower limb involvement. Also called: Episodic pain syndrome, familial, 3. Identifiers: Orphanet 391384, Orphanet 391392, MedGen C3809899, MONDO:0014247, OMIM 615552.

Allele frequency attached by ClinVar (database versions not stated): gnomAD 0.00001; gnomAD exomes below 0.00001; TOPMed 0.00002.
gnomAD v4.1: 7 of 1,613,990 alleles (0.00043%); highest among the groups gnomAD compares: Middle Eastern, 0.016%; no homozygotes.

Submissions (3):

Labcorp Genetics (formerly Invitae), Labcorp
Classification: Uncertain significance for Familial episodic pain syndrome with predominantly lower limb involvement; Hereditary sensory and autonomic neuropathy type 7. Last evaluated: 2025-11-12. Review status: criteria provided, single submitter. Criteria: Invitae Variant Classification Sherloc (09022015). Collection method: clinical testing. Allele origin: germline.
Comment: This sequence change replaces methionine, which is neutral and non-polar, with isoleucine, which is neutral and non-polar, at codon 657 of the SCN11A protein (p.Met657Ile). This variant is not present in population databases (gnomAD no frequency). This variant has not been reported in the literature in individuals affected with SCN11A-related conditions. ClinVar contains an entry for this variant (Variation ID: 577498). An algorithm developed to predict the effect of missense changes on protein structure and function outputs the following: PolyPhen-2: "Benign". The isoleucine amino acid residue is found in multiple mammalian species, which suggests that this missense change does not adversely affect protein function. In summary, the available evidence is currently insufficient to determine the role of this variant in disease. Therefore, it has been classified as a Variant of Uncertain Significance.

GeneDx
Classification: Uncertain significance. Last evaluated: 2025-03-13. Review status: criteria provided, single submitter. Criteria: GeneDx Variant Classification Process June 2021. Collection method: clinical testing. Allele origin: germline. Affected: yes.
Comment: Not observed at significant frequency in large population cohorts (gnomAD); In silico analysis indicates that this missense variant does not alter protein structure/function; Has not been previously published as pathogenic or benign to our knowledge

MGZ Medical Genetics Center
Classification: Uncertain significance for Hereditary sensory and autonomic neuropathy type 7. Last evaluated: 2021-09-29. Review status: criteria provided, single submitter. Criteria: ACMG Guidelines, 2015. Collection method: clinical testing. Allele origin: germline. Affected: yes. Observed: 1 variant allele.
Comment: ACMG criteria applied: PM2_SUP, PP2

NM_001349253.2(SCN11A):c.1971G>C (p.Met657Ile)

Gene: SCN11A (sodium voltage-gated channel alpha subunit 11; minus strand). Cytogenetic location: 3p22.2.
Variant type: single nucleotide variant.
Coding change: c.1971G>C on transcript NM_001349253.2 (MANE Select); coding-DNA position 1971, G replaced by C.
Protein change: p.Met657Ile; replaces methionine 657 with isoleucine.
Molecular consequence: missense variant.
Genome position (GRCh38, 1-based): chr3:38,899,945, C>G on the plus strand (G>C on the coding strand, the complement: SCN11A is on the minus strand). VCF-style: chr3-38899945-C-G. GRCh37 (hg19) VCF-style: chr3-38941436-C-G.
Other names: c.1971G>C, p.Met657Ile (NM_014139.3); short protein forms M657I.
Identifiers: ClinVar variation 577498 (VCV000577498.8), dbSNP rs1559518186, ClinGen allele CA352161382.